The following is an entry in ClinVar:

ClinVar aggregate classification (germline): Pathogenic. Review status: criteria provided, single submitter (1 of 4 stars). 2 submissions from 2 submitters: Pathogenic (1). 1 of the submissions does not count toward it. Last evaluated 2023-10-27.

Conditions:
Hereditary cancer-predisposing syndrome. Also called: Neoplastic Syndromes, Hereditary; Tumor predisposition; Hereditary Cancer Syndrome; Hereditary neoplastic syndrome. Identifiers: Orphanet 140162, MedGen C0027672, MeSH D009386, MONDO:0015356.
Peutz-Jeghers syndrome (PJS). Also called: Peutz-Jeghers polyposis; Periorificial lentiginosis syndrome; POLYPOSIS, HAMARTOMATOUS INTESTINAL; POLYPS-AND-SPOTS SYNDROME. Identifiers: Orphanet 2869, MedGen C0031269, MeSH D010580, MONDO:0008280, OMIM 175200.

Submissions (2):

Ambry Genetics
Classification: Pathogenic for Hereditary cancer-predisposing syndrome. Last evaluated: 2023-10-27. Review status: criteria provided, single submitter. Criteria: Ambry Variant Classification Scheme 2023. Collection method: clinical testing. Allele origin: germline.
Comment: The c.834_835delTG pathogenic mutation, located in coding exon 6 of the STK11 gene, results from a deletion of two nucleotides at nucleotide positions 834 to 835, causing a translational frameshift with a predicted alternate stop codon (p.C278Wfs*6). This variant is considered to be rare based on population cohorts in the Genome Aggregation Database (gnomAD). This alteration is expected to result in loss of function by premature protein truncation or nonsense-mediated mRNA decay. As such, this alteration is interpreted as a disease-causing mutation.

OMIM
Classification: Pathogenic for PEUTZ-JEGHERS SYNDROME. Last evaluated: 1998-01-08. Review status: no assertion criteria provided. Collection method: literature only. Allele origin: germline. Not counted in ClinVar's aggregate classification.

Literature cited by the submitters: PubMed 9428765 (cited by OMIM).

NM_000455.5(STK11):c.834_835del (p.Cys278fs)

Gene: STK11 (serine/threonine kinase 11; plus strand). Cytogenetic location: 19p13.3.
Variant type: Microsatellite.
Coding change: c.834_835del on transcript NM_000455.5 (MANE Select); coding-DNA positions 834 to 835, 2 bases deleted (TG; older notation c.834_835delTG).
Protein change: p.Cys278fs; shifts the reading frame from cysteine 278.
Molecular consequence: frameshift variant.
Genome position (GRCh38, 1-based): chr19:1,221,312-1,221,313, TG deleted; deleting any 2 consecutive bases within chr19:1,221,310-1,221,313 gives the same sequence; the c. name uses the placement nearest the transcript's 3' end. VCF-style (leftmost placement, unchanged base first): chr19-1221309-CTG-C. GRCh37 (hg19) VCF-style: chr19-1221308-CTG-C.
Other names: c.834_835delTG (NM_000455.4); short protein forms C278fs.
Identifiers: ClinVar variation 7444 (VCV000007444.3), dbSNP rs587776659, ClinGen allele CA023292.
Genomic context (GRCh38, chr19:1,221,309, plus strand): 5'-GGACAACATCTACAAGTTGTTTGAGAACATCGGGAAGGGGAGCTACGCCATCCCGGGCGA[CTG>C]TGGCCCCCCGCTCTCTGACCTGCTGAAAGGTGGGAGCCTCATCCCTCTGCCCGCAGCCCC-3'